The following is an entry in ClinVar:

NM_001244008.2(KIF1A):c.3920C>T (p.Pro1307Leu)

Gene: KIF1A (kinesin family member 1A; minus strand). Cytogenetic location: 2q37.3.
Variant type: single nucleotide variant.
Coding change: c.3920C>T on transcript NM_001244008.2 (MANE Select); coding-DNA position 3920, C replaced by T.
Protein change: p.Pro1307Leu; replaces proline 1307 with leucine.
Molecular consequence: missense variant.
Genome position (GRCh38, 1-based): chr2:240,737,150, G>A on the plus strand (C>T on the coding strand, the complement: KIF1A is on the minus strand). VCF-style: chr2-240737150-G-A. GRCh37 (hg19) VCF-style: chr2-241676567-G-A.
Other names: c.3644C>T, p.Pro1215Leu (NM_001320705.2, NM_001330289.2, NM_001379638.1); c.3719C>T, p.Pro1240Leu (NM_001330290.2, NM_001379634.1, NM_001379635.1 and 1 more transcripts); c.3995C>T, p.Pro1332Leu (NM_001379631.1); c.3869C>T, p.Pro1290Leu (NM_001379632.1); c.3893C>T, p.Pro1298Leu (NM_001379633.1, NM_001379642.1, NM_001379645.1); c.3731C>T, p.Pro1244Leu (NM_001379636.1); c.3692C>T, p.Pro1231Leu (NM_001379637.1, NM_001379648.1); c.3617C>T, p.Pro1206Leu (NM_001379639.1, NM_001379641.1, NM_001379649.1 and 4 more transcripts); and 1 more; short protein forms P1206L, P1307L, P1240L, P1215L, P1205L, P1231L, P1244L, P1290L.
Identifiers: ClinVar variation 426327 (VCV000426327.4), dbSNP rs1085307567, ClinGen allele CA351312951.

ClinVar aggregate classification (germline): Uncertain significance (1 of 4 stars; one submission).

Submission:

GeneDx
Classification: Uncertain significance. Last evaluated: 2024-02-18. Review status: criteria provided, single submitter. Criteria: GeneDx Variant Classification Process June 2021. Collection method: clinical testing. Allele origin: germline. Affected: yes.
Comment: Not observed at significant frequency in large population cohorts (gnomAD); In silico analysis supports that this missense variant has a deleterious effect on protein structure/function; Has not been previously published as pathogenic or benign to our knowledge